The following is an entry in ClinVar:

ClinVar aggregate classification (germline): Uncertain significance (1 of 4 stars; one submission).

Conditions:
Familial encephalopathy with neuroserpin inclusion bodies. Also called: ENCEPHALOPATHY, FAMILIAL, WITH COLLINS BODIES. Identifiers: Orphanet 85110, MedGen C1858680, MONDO:0011412, OMIM 604218.

Allele frequency attached by ClinVar (database versions not stated): gnomAD exomes below 0.00001; gnomAD 0.00001.
gnomAD v4.1: 2 of 1,613,540 alleles (0.00012%); highest among the groups gnomAD compares: Admixed American, 0.0033%; no homozygotes.

Submission:

Labcorp Genetics (formerly Invitae), Labcorp
Classification: Uncertain significance for Familial encephalopathy with neuroserpin inclusion bodies. Last evaluated: 2021-03-24. Review status: criteria provided, single submitter. Criteria: Invitae Variant Classification Sherloc (09022015). Collection method: clinical testing. Allele origin: germline.
Comment: Advanced modeling of protein sequence and biophysical properties (such as structural, functional, and spatial information, amino acid conservation, physicochemical variation, residue mobility, and thermodynamic stability) performed at Invitae indicates that this missense variant is not expected to disrupt SERPINI1 protein function. In summary, the available evidence is currently insufficient to determine the role of this variant in disease. Therefore, it has been classified as a Variant of Uncertain Significance. This sequence change replaces threonine with alanine at codon 266 of the SERPINI1 protein (p.Thr266Ala). The threonine residue is highly conserved and there is a small physicochemical difference between threonine and alanine. This variant is not present in population databases (ExAC no frequency). This variant has not been reported in the literature in individuals with SERPINI1-related conditions.

NM_001122752.2(SERPINI1):c.796A>G (p.Thr266Ala)

Gene: SERPINI1 (serpin family I member 1; plus strand). Cytogenetic location: 3q26.1.
Variant type: single nucleotide variant.
Coding change: c.796A>G on transcript NM_001122752.2 (MANE Select); coding-DNA position 796, A replaced by G.
Protein change: p.Thr266Ala; replaces threonine 266 with alanine.
Molecular consequence: missense variant.
Genome position (GRCh38, 1-based): chr3:167,794,739, A>G. VCF-style: chr3-167794739-A-G. GRCh37 (hg19) VCF-style: chr3-167512527-A-G.
Other names: c.796A>G, p.Thr266Ala (NM_005025.5); short protein forms T266A.
Identifiers: ClinVar variation 1023387 (VCV001023387.8), dbSNP rs1210708843, ClinGen allele CA355157156.